The following is an entry in ClinVar:

ClinVar aggregate classification (germline): Likely benign (0 of 4 stars; one submission).

Conditions:
CCR2-related disorder. Also called: CCR2-related condition.

Allele frequency attached by ClinVar (database versions not stated): ExAC 0.00011; 1000 Genomes Project 30x 0.00016; 1000 Genomes Project 0.00020; gnomAD 0.00031; TOPMed 0.00033; ESP Exome Variant Server 0.00039.
gnomAD v4.1: 150 of 1,614,084 alleles (0.0093%); highest among the groups gnomAD compares: African/African-American, 0.15%; no homozygotes.

Submission:

PreventionGenetics, part of Exact Sciences
Classification: Likely benign for CCR2-related condition. Last evaluated: 2019-08-21. Review status: no assertion criteria provided. Collection method: clinical testing. Allele origin: germline.
Comment: This variant is classified as likely benign based on ACMG/AMP sequence variant interpretation guidelines (Richards et al. 2015 PMID: 25741868, with internal and published modifications).

NM_001123396.4(CCR2):c.849G>T (p.Leu283=)

Gene: CCR2 (C-C motif chemokine receptor 2; plus strand). Cytogenetic location: 3p21.31.
Variant type: single nucleotide variant.
Coding change: c.849G>T on transcript NM_001123396.4 (MANE Select); coding-DNA position 849, G replaced by T.
Protein change: p.Leu283=; no amino-acid change (leucine 283 retained).
Molecular consequence: synonymous variant.
Genome position (GRCh38, 1-based): chr3:46,358,376, G>T. VCF-style: chr3-46358376-G-T. GRCh37 (hg19) VCF-style: chr3-46399867-G-T.
Other names: c.849G>T, p.Leu283= (NM_001123041.3).
Identifiers: ClinVar variation 3052543 (VCV003052543.2), dbSNP rs373111136, ClinGen allele CA2354410.